The following is an entry in ClinVar:

ClinVar aggregate classification (germline): Likely benign (1 of 4 stars; one submission).

Submission:

CeGaT Center for Human Genetics Tuebingen
Classification: Likely benign. Last evaluated: 2026-02-01. Review status: criteria provided, single submitter. Criteria: CeGaT Center For Human Genetics Tuebingen Variant Classification Criteria Version 2. Collection method: clinical testing. Allele origin: germline. Affected: yes. Observed: 1 variant allele.
Comment: ATP13A2: BP4, BP7

NM_022089.4(ATP13A2):c.1320C>T (p.Thr440=)

Gene: ATP13A2 (ATPase cation transporting 13A2; minus strand). Cytogenetic location: 1p36.13.
Variant type: single nucleotide variant.
Coding change: c.1320C>T on transcript NM_022089.4 (MANE Select); coding-DNA position 1320, C replaced by T.
Protein change: p.Thr440=; no amino-acid change (threonine 440 retained).
Molecular consequence: synonymous variant.
Genome position (GRCh38, 1-based): chr1:16,996,287, G>A on the plus strand (C>T on the coding strand, the complement: ATP13A2 is on the minus strand). VCF-style: chr1-16996287-G-A. GRCh37 (hg19) VCF-style: chr1-17322782-G-A.
Other names: c.1305C>T, p.Thr435= (NM_001141973.3, NM_001141974.3).
Identifiers: ClinVar variation 4822023 (VCV004822023.4).